The following is an entry in ClinVar:

ClinVar aggregate classification (germline): Uncertain significance (1 of 4 stars; one submission).

Submission:

Ambry Genetics
Classification: Uncertain significance. Last evaluated: 2023-03-09. Review status: criteria provided, single submitter. Criteria: Ambry Variant Classification Scheme 2023. Collection method: clinical testing. Allele origin: germline.
Comment: The p.A249S variant (also known as c.745G>T), located in coding exon 2 of the TERF2IP gene, results from a G to T substitution at nucleotide position 745. The alanine at codon 249 is replaced by serine, an amino acid with similar properties. This amino acid position is conserved. In addition, this alteration is predicted to be tolerated by in silico analysis. Since supporting evidence is limited at this time, the clinical significance of this alteration remains unclear.

NM_018975.4(TERF2IP):c.745G>T (p.Ala249Ser)

Gene: TERF2IP (TERF2 interacting protein; plus strand). Cytogenetic location: 16q23.1.
Variant type: single nucleotide variant.
Coding change: c.745G>T on transcript NM_018975.4 (MANE Select); coding-DNA position 745, G replaced by T.
Protein change: p.Ala249Ser; replaces alanine 249 with serine.
Molecular consequence: missense variant. On other transcripts: non-coding transcript variant (1).
Genome position (GRCh38, 1-based): chr16:75,654,347, G>T. VCF-style: chr16-75654347-G-T. GRCh37 (hg19) VCF-style: chr16-75688245-G-T.
Other names: short protein forms A249S.
Identifiers: ClinVar variation 2448551 (VCV002448551.2), dbSNP rs2507086478, ClinGen allele CA396819186.